The following is an entry in ClinVar:

ClinVar aggregate classification (germline): Uncertain significance. Review status: criteria provided, multiple submitters, no conflicts (2 of 4 stars). 2 submissions from 2 submitters: Uncertain significance (2). Last evaluated 2025-03-08.

Conditions:
SLC27A5-related disorder. Also called: SLC27A5-related condition.

Allele frequency attached by ClinVar (database versions not stated): TOPMed 0.00001; gnomAD exomes 0.00002 and 0.00003; ExAC 0.00003; gnomAD below 0.00001 and 0.00001.
gnomAD v4.1: 43 of 1,568,880 alleles (0.0027%); highest among the groups gnomAD compares: South Asian, 0.019%; no homozygotes.

Submissions (2):

PreventionGenetics, part of Exact Sciences
Classification: Uncertain significance for SLC27A5-related condition. Last evaluated: 2025-03-08. Review status: criteria provided, single submitter. Criteria: ACMG Guidelines, 2015. Collection method: clinical testing. Allele origin: germline.
Comment: The SLC27A5 c.377C>T variant is predicted to result in the amino acid substitution p.Ala126Val. To our knowledge, this variant has not been reported in the literature. This variant is reported in 0.0040% of alleles in individuals of South Asian descent in gnomAD. At this time, the clinical significance of this variant is uncertain due to the absence of conclusive functional and genetic evidence.

Eurofins Ntd Llc (ga)
Classification: Uncertain significance. Last evaluated: 2017-09-18. Review status: criteria provided, single submitter. Criteria: EGL Classification Definitions 2015. Collection method: clinical testing. Allele origin: germline. Observed: 1 variant allele, 1 heterozygote.

NM_012254.3(SLC27A5):c.377C>T (p.Ala126Val)

Gene: SLC27A5 (solute carrier family 27 member 5; minus strand). Cytogenetic location: 19q13.43.
Variant type: single nucleotide variant.
Coding change: c.377C>T on transcript NM_012254.3 (MANE Select); coding-DNA position 377, C replaced by T.
Protein change: p.Ala126Val; replaces alanine 126 with valine.
Molecular consequence: missense variant.
Genome position (GRCh38, 1-based): chr19:58,511,579, G>A on the plus strand (C>T on the coding strand, the complement: SLC27A5 is on the minus strand). VCF-style: chr19-58511579-G-A. GRCh37 (hg19) VCF-style: chr19-59022946-G-A.
Other names: c.377C>T, p.Ala126Val (NM_001321196.2); c.377C>T (NM_012254.2); short protein forms A126V.
Identifiers: ClinVar variation 594135 (VCV000594135.6), dbSNP rs764941642, ClinGen allele CA9718295.
Genomic context (GRCh38, chr19:58,511,579, plus strand): 5'-CCAAAGGTGACTGAGCCGGCCCCAGGCCCCGTCCACACCAAGAGTGCCCTGCCAGGCTGC[G>A]CTCGTGCTCGCCGCTCGAAGGCATCTACAAAGGTGTCAGGCGGCTGCCGGCTCAAGCATC-3'
Protein context (NP_036386.1, residues 116-136): FVDAFERRAR[Ala126Val]QPGRALLVWT